The following is an entry in ClinVar:

ClinVar aggregate classification (germline): Pathogenic (1 of 4 stars; one submission).

Submission:

Centre of Medical Genetics, University Hospital Muenster
Classification: Pathogenic. Last evaluated: 2024-11-25. Review status: criteria provided, single submitter. Criteria: ACMG Guidelines, 2015. Collection method: clinical testing. Allele origin: unknown. Affected: yes. Observed: 1 variant allele, 1 heterozygote.
Comment: ACMG categories: PVS1,PM2

NM_130837.3(OPA1):c.420del (p.Trp141fs)

Gene: OPA1 (OPA1 mitochondrial dynamin like GTPase; plus strand). Cytogenetic location: 3q29.
Variant type: Deletion.
Coding change: c.420del on transcript NM_130837.3 (MANE Select); coding-DNA position 420, one base deleted (G; older notation c.420delG).
Protein change: p.Trp141fs; shifts the reading frame from tryptophan 141.
Molecular consequence: frameshift variant.
Genome position (GRCh38, 1-based): chr3:193,615,742, G deleted. VCF-style (leftmost placement, unchanged base first): chr3-193615741-TG-T. GRCh37 (hg19) VCF-style: chr3-193333530-TG-T.
Other names: c.48del, p.Trp17fs (NM_001354663.2, NM_001354664.2); c.420del, p.Trp141fs (NM_015560.3, NM_130831.3, NM_130832.3 and 4 more transcripts); short protein forms W141fs, W17fs.
Identifiers: ClinVar variation 3383397 (VCV003383397.2).